The following is an entry in ClinVar:

ClinVar aggregate classification (germline): Benign. Review status: criteria provided, multiple submitters, no conflicts (2 of 4 stars). 2 submissions from 2 submitters: Benign (2). Last evaluated 2016-03-29.

Allele frequency attached by ClinVar (database versions not stated): TOPMed 0.85555; gnomAD 0.85774 and 0.86414; 1000 Genomes Project 30x 0.87992; 1000 Genomes Project 0.88458; ESP Exome Variant Server 0.91789; ExAC 0.94626.
gnomAD v4.1: 1,394,649 of 1,531,116 alleles (91%); highest among the groups gnomAD compares: East Asian, 100%; 637,283 homozygotes.

Submissions (2):

Laboratory for Molecular Medicine, Mass General Brigham Personalized Medicine
Classification: Benign. Last evaluated: 2016-03-29. Review status: criteria provided, single submitter. Criteria: LMM Criteria. Collection method: clinical testing. Allele origin: germline.
Comment: Variant identified in a genome or exome case(s) and assessed due to predicted null impact of the variant or pathogenic assertions in the literature or databases. Disclaimer: This variant has not undergone full assessment. The following are preliminary notes: Frequency

Breakthrough Genomics
Classification: Benign. Review status: criteria provided, single submitter. Criteria: ACMG Guidelines, 2015. Collection method: not provided. Allele origin: germline. Inheritance: Unknown mechanism. Affected: yes.

NM_030974.4(SHARPIN):c.201+10G>A

Genes: SHARPIN (SHANK associated RH domain interactor; minus strand), LOC130001366 (ATAC-STARR-seq lymphoblastoid silent region 19656; plus strand). Cytogenetic location: 8q24.3.
Variant type: single nucleotide variant.
Coding change: c.201+10G>A on transcript NM_030974.4 (MANE Select); 10 bases into the intron after coding-DNA position 201, G replaced by A.
Molecular consequence: intron variant.
Genome position (GRCh38, 1-based): chr8:144,103,543, C>T on the plus strand (G>A on the coding strand, the complement: SHARPIN is on the minus strand). VCF-style: chr8-144103543-C-T. GRCh37 (hg19) VCF-style: chr8-145158446-C-T.
Identifiers: ClinVar variation 403433 (VCV000403433.5), dbSNP rs12549149, ClinGen allele CA4934012.